The following is an entry in ClinVar:

ClinVar aggregate classification (germline): Uncertain significance (1 of 4 stars; one submission).

Conditions:
Inborn genetic diseases. Identifiers: MedGen C0950123, MeSH D030342.

Submission:

Ambry Genetics
Classification: Uncertain significance for Inborn genetic diseases. Last evaluated: 2025-06-05. Review status: criteria provided, single submitter. Criteria: Ambry Variant Classification Scheme 2023. Collection method: clinical testing. Allele origin: germline.
Comment: The p.D853E variant (also known as c.2559C>A), located in coding exon 1 of the SAMD9L gene, results from a C to A substitution at nucleotide position 2559. The aspartic acid at codon 853 is replaced by glutamic acid, an amino acid with highly similar properties. This amino acid position is conserved. In addition, this alteration is predicted to be tolerated by in silico analysis. Based on the available evidence, the clinical significance of this variant remains unclear.

NM_152703.5(SAMD9L):c.2559C>A (p.Asp853Glu)

Gene: SAMD9L (sterile alpha motif domain containing 9 like; minus strand). Cytogenetic location: 7q21.2.
Variant type: single nucleotide variant.
Coding change: c.2559C>A on transcript NM_152703.5 (MANE Select); coding-DNA position 2559, C replaced by A.
Protein change: p.Asp853Glu; replaces aspartic acid 853 with glutamic acid.
Molecular consequence: missense variant.
Genome position (GRCh38, 1-based): chr7:93,133,413, G>T on the plus strand (C>A on the coding strand, the complement: SAMD9L is on the minus strand). VCF-style: chr7-93133413-G-T. GRCh37 (hg19) VCF-style: chr7-92762726-G-T.
Other names: c.2559C>A, p.Asp853Glu (NM_001303496.3, NM_001303497.3, NM_001303498.3 and 5 more transcripts); short protein forms D853E.
Identifiers: ClinVar variation 3949995 (VCV003949995.1).